The following is an entry in ClinVar:

ClinVar aggregate classification (germline): Uncertain significance (1 of 4 stars; one submission).

Conditions:
Developmental and epileptic encephalopathy, 31A. Also called: Epileptic encephalopathy, early infantile, 31; Developmental and epileptic encephalopathy, 31. Identifiers: Orphanet 2382, MedGen C4225357, MONDO:0014598, OMIM 616346.

Allele frequency attached by ClinVar (database versions not stated): gnomAD exomes below 0.00001 and 0.00001; ExAC 0.00001; gnomAD 0.00001.
gnomAD v4.1: 8 of 1,598,014 alleles (0.0005%); highest among the groups gnomAD compares: Middle Eastern, 0.017%; no homozygotes.

Submission:

Labcorp Genetics (formerly Invitae), Labcorp
Classification: Uncertain significance for Developmental and epileptic encephalopathy, 31A. Last evaluated: 2024-09-23. Review status: criteria provided, single submitter. Criteria: Invitae Variant Classification Sherloc (09022015). Collection method: clinical testing. Allele origin: germline.
Comment: This sequence change affects codon 128 of the DNM1 mRNA. It is a 'silent' change, meaning that it does not change the encoded amino acid sequence of the DNM1 protein. It affects a nucleotide within the consensus splice site. The frequency data for this variant in the population databases is considered unreliable, as metrics indicate poor data quality at this position in the gnomAD database. This variant has not been reported in the literature in individuals affected with DNM1-related conditions. ClinVar contains an entry for this variant (Variation ID: 1469912). Algorithms developed to predict the effect of sequence changes on RNA splicing suggest that this variant is not likely to affect RNA splicing. In summary, the available evidence is currently insufficient to determine the role of this variant in disease. Therefore, it has been classified as a Variant of Uncertain Significance.

NM_004408.4(DNM1):c.384C>T (p.His128=)

Genes: DNM1 (dynamin 1; plus strand), LOC113839516 (Sharpr-MPRA regulatory region 8497; plus strand). Cytogenetic location: 9q34.11.
Variant type: single nucleotide variant.
Coding change: c.384C>T on transcript NM_004408.4 (MANE Select); coding-DNA position 384, C replaced by T.
Protein change: p.His128=; no amino-acid change (histidine 128 retained).
Molecular consequence: synonymous variant.
Genome position (GRCh38, 1-based): chr9:128,218,730, C>T. VCF-style: chr9-128218730-C-T. GRCh37 (hg19) VCF-style: chr9-130981009-C-T.
Other names: c.384C>T, p.His128= (NM_001005336.3, NM_001288737.2, NM_001288738.2 and 2 more transcripts).
Identifiers: ClinVar variation 1469912 (VCV001469912.6), dbSNP rs535527521, ClinGen allele CA5257785.